The following is an entry in ClinVar:

ClinVar aggregate classification (germline): Uncertain significance. Review status: criteria provided, multiple submitters, no conflicts (2 of 4 stars). 8 submissions from 8 submitters: Uncertain significance (8). Last evaluated 2026-02-11.

Conditions:
Hereditary cancer-predisposing syndrome. Also called: Hereditary neoplastic syndrome; Hereditary Cancer Syndrome; Tumor predisposition; Neoplastic Syndromes, Hereditary. Identifiers: Orphanet 140162, MedGen C0027672, MeSH D009386, MONDO:0015356.
Familial cancer of breast. Also called: hereditary breast carcinoma; Hereditary breast cancer; BREAST CANCER, FAMILIAL. Identifiers: Orphanet 227535, MedGen C0346153, MONDO:0016419, OMIM 114480. Disease mechanism: loss of function.

Allele frequency attached by ClinVar (database versions not stated): TOPMed below 0.00001; ExAC 0.00002; gnomAD exomes 0.00003 and 0.00005.
gnomAD v4.1: 16 of 1,613,556 alleles (0.00099%); highest among the groups gnomAD compares: Admixed American, 0.027%; no homozygotes.

Submissions (8):

St. Jude Molecular Pathology, St. Jude Children's Research Hospital
Classification: Uncertain significance for Familial cancer of breast. Last evaluated: 2026-02-11. Review status: criteria provided, single submitter. Criteria: St. Jude Assertion Criteria 2020. Collection method: clinical testing. Allele origin: germline.
Comment: The BARD1 c.499C>T p.(Pro167Ser) missense change has a maximum subpopulation frequency of 0.03% in gnomAD v2.1.1. The in silico tool REVEL predicts a benign effect on protein function, but to our knowledge this prediction has not been confirmed by functional studies. To our knowledge, this variant has not been reported in individuals with BARD1-related disease. In summary, the evidence currently available is insufficient to determine the clinical significance of this variant. It has therefore been classified as of uncertain significance.

Labcorp Genetics (formerly Invitae), Labcorp
Classification: Uncertain significance for Familial cancer of breast. Last evaluated: 2025-10-20. Review status: criteria provided, single submitter. Criteria: Invitae Variant Classification Sherloc (09022015). Collection method: clinical testing. Allele origin: germline.
Comment: This sequence change replaces proline, which is neutral and non-polar, with serine, which is neutral and polar, at codon 167 of the BARD1 protein (p.Pro167Ser). This variant is present in population databases (rs767584985, gnomAD 0.04%), and has an allele count higher than expected for a pathogenic variant. This variant has not been reported in the literature in individuals affected with BARD1-related conditions. ClinVar contains an entry for this variant (Variation ID: 438896). An algorithm developed to predict the effect of missense changes on protein structure and function (PolyPhen-2) suggests that this variant is likely to be tolerated. In summary, the available evidence is currently insufficient to determine the role of this variant in disease. Therefore, it has been classified as a Variant of Uncertain Significance.

Ambry Genetics
Classification: Uncertain significance for Hereditary cancer-predisposing syndrome. Last evaluated: 2025-10-07. Review status: criteria provided, single submitter. Criteria: Ambry Variant Classification Scheme 2023. Collection method: clinical testing. Allele origin: germline.

Color Diagnostics, LLC DBA Color Health
Classification: Uncertain significance for Hereditary cancer-predisposing syndrome. Last evaluated: 2025-06-23. Review status: criteria provided, single submitter. Criteria: ACMG Guidelines, 2015. Collection method: clinical testing. Allele origin: germline.
Comment: This missense variant replaces proline with serine at codon 167 of the BARD1 protein. Computational prediction suggests that this variant may not impact protein structure and function. To our knowledge, functional studies have not been reported for this variant. This variant has not been reported in individuals affected with hereditary cancer in the literature. This variant has been identified in 12/250928 chromosomes in the general population by the Genome Aggregation Database (gnomAD). The available evidence is insufficient to determine the role of this variant in disease conclusively. Therefore, this variant is classified as a Variant of Uncertain Significance.

GeneDx
Classification: Uncertain significance. Last evaluated: 2023-11-12. Review status: criteria provided, single submitter. Criteria: GeneDx Variant Classification Process June 2021. Collection method: clinical testing. Allele origin: germline. Affected: yes.
Comment: In silico analysis supports that this missense variant does not alter protein structure/function; Has not been previously published as pathogenic or benign to our knowledge

Baylor Genetics
Classification: Uncertain significance for Familial cancer of breast. Last evaluated: 2023-08-15. Review status: criteria provided, single submitter. Criteria: ACMG Guidelines, 2015. Collection method: clinical testing. Allele origin: unknown.

Quest Diagnostics Nichols Institute San Juan Capistrano
Classification: Uncertain significance. Last evaluated: 2023-01-05. Review status: criteria provided, single submitter. Criteria: Quest Diagnostics criteria. Collection method: clinical testing. Allele origin: unknown.
Comment: To the best of our knowledge, the variant has not been reported in the published literature. The frequency of this variant in the general population, 0.00035 (12/34528 chromosomes in Latino/Admixed American subpopulation), is higher than would generally be expected for pathogenic variants in this gene. Analysis of this variant using bioinformatics tools for the prediction of the effect of amino acid changes on protein structure and function yielded predictions that this variant is benign. Based on the available information, we are unable to determine the clinical significance of this variant.

Women's Health and Genetics/Laboratory Corporation of America, LabCorp
Classification: Uncertain significance. Last evaluated: 2023-01-02. Review status: criteria provided, single submitter. Criteria: LabCorp Variant Classification Summary - May 2015. Collection method: clinical testing. Allele origin: germline.

NM_000465.4(BARD1):c.499C>T (p.Pro167Ser)

Gene: BARD1 (BRCA1 associated RING domain 1; minus strand). Cytogenetic location: 2q35.
Variant type: single nucleotide variant.
Coding change: c.499C>T on transcript NM_000465.4 (MANE Select); coding-DNA position 499, C replaced by T.
Protein change: p.Pro167Ser; replaces proline 167 with serine.
Molecular consequence: missense variant. On other transcripts: non-coding transcript variant (2), intron variant (3).
Genome position (GRCh38, 1-based): chr2:214,781,375, G>A on the plus strand (C>T on the coding strand, the complement: BARD1 is on the minus strand). VCF-style: chr2-214781375-G-A. GRCh37 (hg19) VCF-style: chr2-215646099-G-A.
Other names: c.442C>T, p.Pro148Ser (NM_001282543.2); c.158+28037C>T (NM_001282548.2); c.215+15686C>T (NM_001282545.2); c.364+10922C>T (NM_001282549.2); short protein forms P167S, P148S.
Identifiers: ClinVar variation 438896 (VCV000438896.32), dbSNP rs767584985, ClinGen allele CA2090420.